The following is an entry in ClinVar:

NM_000212.3(ITGB3):c.428T>G (p.Leu143Trp)

Gene: ITGB3 (integrin subunit beta 3; plus strand). Cytogenetic location: 17q21.32.
Variant type: single nucleotide variant.
Coding change: c.428T>G on transcript NM_000212.3 (MANE Select); coding-DNA position 428, T replaced by G.
Protein change: p.Leu143Trp; replaces leucine 143 with tryptophan.
Molecular consequence: missense variant.
Genome position (GRCh38, 1-based): chr17:47,284,509, T>G. VCF-style: chr17-47284509-T-G. GRCh37 (hg19) VCF-style: chr17-45361875-T-G.
Other names: L117W; c.428T>G (NM_000212.2); short protein forms L143W.
Identifiers: ClinVar variation 13567 (VCV000013567.14), dbSNP rs121918452, ClinGen allele CA123252.

ClinVar aggregate classification (germline): Pathogenic. Review status: reviewed by expert panel (3 of 4 stars). 8 submissions from 7 submitters: Pathogenic (1). 7 of the submissions do not count toward it. Last evaluated 2024-06-06.

Conditions:
ITGB3-related disorders.
Glanzmann thrombasthenia 1 (GT1). Also called: BLEEDING DISORDER, PLATELET-TYPE, 2; GP IIb-IIIa COMPLEX DEFICIENCY; GLYCOPROTEIN COMPLEX IIb-IIIa DEFICIENCY; PLATELET FIBRINOGEN RECEPTOR DEFICIENCY. Identifiers: MedGen CN300358, MONDO:0031332, OMIM 273800.
Glanzmann thrombasthenia 2. Also called: BLEEDING DISORDER, PLATELET-TYPE, 23. Identifiers: MedGen C5543273, MONDO:0031009, OMIM 619267.
Bleeding disorder, platelet-type, 24. Also called: GLANZMANN THROMBASTHENIA-LIKE WITH MACROTHROMBOCYTOPENIA 2. Identifiers: MedGen C5543280, MONDO:0030996, OMIM 619271.
Myocardial infarction, susceptibility to. Identifiers: MedGen C1832662, MONDO:0012039, OMIM 608446.
Glanzmann thrombasthenia. Also called: Glanzmann's thrombasthenia; Thrombasthenia; THROMBASTHENIA OF GLANZMANN AND NAEGELI; PLATELET GLYCOPROTEIN IIb-IIIa DEFICIENCY. Identifiers: Orphanet 849, MedGen C0040015, MONDO:0100326.

Allele frequency attached by ClinVar (database versions not stated): gnomAD exomes 0.00001 and 0.00002; ExAC 0.00002.
gnomAD v4.1: 10 of 1,614,128 alleles (0.00062%); highest among the groups gnomAD compares: South Asian, 0.0099%; no homozygotes.

Submissions (8):

ClinGen Platelet Disorders Variant Curation Expert Panel, ClinGen
Classification: Pathogenic for Glanzmann thrombasthenia. Last evaluated: 2024-06-06. Review status: reviewed by expert panel. Criteria: ClinGen Platelet ACMG Specifications v2-1. Collection method: curation. Allele origin: germline. Inheritance: Autosomal recessive inheritance.
Comment: The ITGB3 missense variant NM_000212.2:c.428T>G replaces the leucine residue with a tryptophan residue (p.Leu143Trp). This variant has been observed in homozygosity in at least 14 individuals reported to have Glanzmann's thrombasthenia (GT) (PMID: 9376589, PMID: 26096001, PMID: 16463284, PMID: 36672149; PM3). PMID: 16463284 suggests this variant is a founder variant in Indian populations. At least one patient has a phenotype specific for GT (Patient MK, PMID: 9376589) with a history of bleeding and impaired aggregation to at least two agonists, but normal or only mildly reduced agglutination with ristocetin. Additionally, flow cytometry showed <10% expression of αIIbβ3 (PP4_Moderate). This variant has also been observed to segregate with disease in two affected family members (Patients L and M, PMID: 26096001; PP1). Additionally, in silico tools predict the variant is damaging to protein function (REVEL score 0.98; PP3) and transient expression of ITGB3 carrying the variant in 293 cells led to a reduced level of αIIbβ3 and αIIb receptor expression on the cell surface (<5% compared to cells expressing wild type ITGB3, PMID: 11806996; PS3). The highest population minor allele frequency in gnomAD v4.1.0 is 0.00009881 (9/91082 alleles) in the South Asian population, which is lower than the ClinGen PD VCEP threshold (<0.0001; PM2_Supporting). In summary, this variant meets criteria to be classified as pathogenic for GT. GT-specific criteria applied: PS3, PP4_moderate, PP1, PP3, PM2_supporting, PM3.

Fulgent Genetics
Classification: Pathogenic for Myocardial infarction, susceptibility to; Glanzmann thrombasthenia 2; Bleeding disorder, platelet-type, 24. Last evaluated: 2024-04-12. Review status: criteria provided, single submitter. Criteria: ACMG Guidelines, 2015. Collection method: clinical testing. Allele origin: germline. Not counted in ClinVar's aggregate classification.

Women's Health and Genetics/Laboratory Corporation of America, LabCorp
Classification: Pathogenic for Glanzmann thrombasthenia 2. Last evaluated: 2024-04-05. Review status: criteria provided, single submitter. Criteria: LabCorp Variant Classification Summary - May 2015. Collection method: clinical testing. Allele origin: germline. Not counted in ClinVar's aggregate classification.
Comment: Variant summary: ITGB3 c.428T>G (p.Leu143Trp) results in a non-conservative amino acid change located in the Integrin beta subunit, VWA domain (IPR002369) of the encoded protein sequence. Five of five in-silico tools predict a damaging effect of the variant on protein function. The variant allele was found at a frequency of 2e-05 in 251478 control chromosomes (gnomAD). c.428T>G has been reported in the literature in multiple individuals affected with Glanzmann Thrombasthenia 2 (e.g. Basani_1997, Peretz_2006). These data indicate that the variant is very likely to be associated with disease. At least one publication reports experimental evidence evaluating an impact on protein function, finding that the variant prevents the export of the protein to the cell surface (Basani_1997). The following publications have been ascertained in the context of this evaluation (PMID: 16463284, 9376589). ClinVar contains an entry for this variant (Variation ID: 13567). Based on the evidence outlined above, the variant was classified as pathogenic.

Labcorp Genetics (formerly Invitae), Labcorp
Classification: Pathogenic. Last evaluated: 2023-06-09. Review status: criteria provided, single submitter. Criteria: Invitae Variant Classification Sherloc (09022015). Collection method: clinical testing. Allele origin: germline. Not counted in ClinVar's aggregate classification.
Comment: This variant is present in population databases (rs121918452, gnomAD 0.02%). For these reasons, this variant has been classified as Pathogenic. Experimental studies have shown that this missense change affects ITGB3 function (PMID: 9376589). Advanced modeling of protein sequence and biophysical properties (such as structural, functional, and spatial information, amino acid conservation, physicochemical variation, residue mobility, and thermodynamic stability) performed at Invitae indicates that this missense variant is expected to disrupt ITGB3 protein function. ClinVar contains an entry for this variant (Variation ID: 13567). This variant is also known as Leu117Trp. This missense change has been observed in individuals with Glanzmann thrombasthenia (PMID: 9376589, 16463284, 26096001). This sequence change replaces leucine, which is neutral and non-polar, with tryptophan, which is neutral and slightly polar, at codon 143 of the ITGB3 protein (p.Leu143Trp).

Neuberg Centre For Genomic Medicine, NCGM
Classification: Pathogenic for Glanzmann thrombasthenia 1. Last evaluated: 2023-02-14. Review status: criteria provided, single submitter. Criteria: ACMG Guidelines, 2015. Collection method: clinical testing. Allele origin: germline. Inheritance: Autosomal recessive inheritance. Affected: yes. Not counted in ClinVar's aggregate classification.
Comment: The missense c.428T>G(p.Leu143Trp) variant in ITGB3 gene has been reported in compound heterozygous state in multiple individuals affected with Glanzmann Thrombasthenia (Siddiqi MYJ, et. al., 2023; Peretz H, et. al., 2006). This variant has also been observed to segregate with disease in two affected family members (Haghighi A, et. al., 2016). Evidence of a founder effect was detected in south asian population (Peretz H, et. al., 2006). The variant is reported with an allele frequency of 0.002% in the gnomAD exomes database and is novel (not in any individuals) in 1000 Genomes database. This variant has been reported to the ClinVar database as pathogenic/Likely pathogenic. The amino acid change p.Leu143Trp in ITGB3 is predicted as conserved by GERP++ and PhyloP across 100 vertebrates. The amino acid Leu at position 143 is changed to a Trp changing protein sequence and it might alter its composition and physico-chemical properties. For these reasons, this variant has been classified as Pathogenic.

Blueprint Genetics
Classification: Pathogenic for ITGB3-related disorders. Last evaluated: 2020-07-01. Review status: criteria provided, single submitter. Criteria: ACMG Guidelines, 2015. Collection method: clinical testing. Allele origin: germline. Affected: yes. Observed: 2 variant alleles. Not counted in ClinVar's aggregate classification.

Neuberg Centre For Genomic Medicine, NCGM
Classification: Pathogenic for Glanzmann thrombasthenia 2. Review status: criteria provided, single submitter. Criteria: ACMG Guidelines, 2015. Collection method: clinical testing. Allele origin: germline. Inheritance: Autosomal recessive inheritance. Affected: yes. Not counted in ClinVar's aggregate classification.
Comment: This variant is also known as Leu117Trp. Experimental studies have shown that this missense change affects ITGB3 function (Basani et al., 1997).

OMIM
Classification: Pathogenic for GLANZMANN THROMBASTHENIA 2. Last evaluated: 2006-04-01. Review status: no assertion criteria provided. Collection method: literature only. Allele origin: germline. Not counted in ClinVar's aggregate classification.

Literature cited by the submitters: PubMed 9376589 (cited by 3 submitters); PubMed 16463284 (cited by 3 submitters); PubMed 26096001 (cited by Labcorp Genetics (formerly Invitae), Labcorp).